The following is an entry in ClinVar:

ClinVar aggregate classification (germline): Uncertain significance. Review status: criteria provided, multiple submitters, no conflicts (2 of 4 stars). 6 submissions from 6 submitters: Uncertain significance (6). Last evaluated 2025-12-08.

Conditions:
Alstrom syndrome (ALMS). Identifiers: Orphanet 64, MedGen C0268425, MONDO:0008763, OMIM 203800.
Cardiovascular phenotype. Identifiers: MedGen CN230736.

Allele frequency attached by ClinVar (database versions not stated): gnomAD 0.00003 and 0.00004; ExAC 0.00004; gnomAD exomes 0.00004 and 0.00010; TOPMed 0.00005.
gnomAD v4.1: 158 of 1,613,840 alleles (0.0098%); highest among the groups gnomAD compares: Non-Finnish European, 0.013%; no homozygotes.

Submissions (6):

Ambry Genetics
Classification: Uncertain significance for Cardiovascular phenotype. Last evaluated: 2025-12-08. Review status: criteria provided, single submitter. Criteria: Ambry Variant Classification Scheme 2023. Collection method: clinical testing. Allele origin: germline.
Comment: The p.Q658H variant (also known as c.1974G>T), located in coding exon 8 of the ALMS1 gene, results from a G to T substitution at nucleotide position 1974. The glutamine at codon 658 is replaced by histidine, an amino acid with highly similar properties. This amino acid position is highly conserved in available vertebrate species. In addition, this alteration is predicted to be tolerated by in silico analysis. Since supporting evidence is limited at this time, the clinical significance of this alteration remains unclear.

CeGaT Center for Human Genetics Tuebingen
Classification: Uncertain significance. Last evaluated: 2024-09-01. Review status: criteria provided, single submitter. Criteria: CeGaT Center For Human Genetics Tuebingen Variant Classification Criteria Version 2. Collection method: clinical testing. Allele origin: germline. Affected: yes. Observed: 1 variant allele.
Comment: ALMS1: PM2, BP4

GeneDx
Classification: Uncertain significance. Last evaluated: 2024-01-10. Review status: criteria provided, single submitter. Criteria: GeneDx Variant Classification Process June 2021. Collection method: clinical testing. Allele origin: germline. Affected: yes.
Comment: Not observed at significant frequency in large population cohorts (gnomAD); In silico analysis supports that this missense variant does not alter protein structure/function; Has not been previously published as pathogenic or benign to our knowledge

Genetic Services Laboratory, University of Chicago
Classification: Uncertain significance. Last evaluated: 2023-04-18. Review status: criteria provided, single submitter. Criteria: ACMG Guidelines, 2015. Collection method: clinical testing. Allele origin: germline. Affected: no.
Comment: DNA sequence analysis of the ALMS1 gene demonstrated a sequence change, c.1974G>T, in exon 8 that results in an amino acid change, p.Gln658His. This sequence change does not appear to have been previously described in individuals with ALMS1-related disorders. This sequence change has been described in the gnomAD database with a frequency of 0.004% in the overall population (dbSNP rs753296810). The p.Gln658His change affects a poorly conserved amino acid residue located in a domain of the ALMS1 protein that is not known to be functional. The p.Gln658His substitution appears to be benign using several in-silico pathogenicity prediction tools (SIFT, PolyPhen2, Align GVGD, REVEL). Due to insufficient evidences and the lack of functional studies, the clinical significance of the p.Gln658His change remains unknown at this time.

Labcorp Genetics (formerly Invitae), Labcorp
Classification: Uncertain significance for Alstrom syndrome. Last evaluated: 2022-08-12. Review status: criteria provided, single submitter. Criteria: Invitae Variant Classification Sherloc (09022015). Collection method: clinical testing. Allele origin: germline.
Comment: This sequence change replaces glutamine, which is neutral and polar, with histidine, which is basic and polar, at codon 658 of the ALMS1 protein (p.Gln658His). This variant is present in population databases (rs753296810, gnomAD 0.007%). This variant has not been reported in the literature in individuals affected with ALMS1-related conditions. ClinVar contains an entry for this variant (Variation ID: 1515334). Experimental studies and prediction algorithms are not available or were not evaluated, and the functional significance of this variant is currently unknown. In summary, the available evidence is currently insufficient to determine the role of this variant in disease. Therefore, it has been classified as a Variant of Uncertain Significance.

Fulgent Genetics
Classification: Uncertain significance for Alstrom syndrome. Last evaluated: 2022-04-03. Review status: criteria provided, single submitter. Criteria: ACMG Guidelines, 2015. Collection method: clinical testing. Allele origin: unknown.

NM_001378454.1(ALMS1):c.1971G>T (p.Gln657His)

Gene: ALMS1 (ALMS1 centrosome and basal body associated protein; plus strand). Cytogenetic location: 2p13.1.
Variant type: single nucleotide variant.
Coding change: c.1971G>T on transcript NM_001378454.1 (MANE Select); coding-DNA position 1971, G replaced by T.
Protein change: p.Gln657His; replaces glutamine 657 with histidine.
Molecular consequence: missense variant.
Genome position (GRCh38, 1-based): chr2:73,448,498, G>T. VCF-style: chr2-73448498-G-T. GRCh37 (hg19) VCF-style: chr2-73675625-G-T.
Other names: c.1974G>T, p.Gln658His (NM_015120.4); short protein forms Q657H, Q658H.
Identifiers: ClinVar variation 1515334 (VCV001515334.22), dbSNP rs753296810, ClinGen allele CA1713248.